The following is an entry in ClinVar:

NM_018163.3(DNAJC17):c.793-6C>G

Gene: DNAJC17 (DnaJ heat shock protein family (Hsp40) member C17; minus strand). Cytogenetic location: 15q15.1.
Variant type: single nucleotide variant.
Coding change: c.793-6C>G on transcript NM_018163.3 (MANE Select); 6 bases into the intron before coding-DNA position 793, C replaced by G.
Molecular consequence: intron variant.
Genome position (GRCh38, 1-based): chr15:40,768,068, G>C on the plus strand (C>G on the coding strand, the complement: DNAJC17 is on the minus strand). VCF-style: chr15-40768068-G-C. GRCh37 (hg19) VCF-style: chr15-41060266-G-C.
Other names: NC_000015.9:g.41060266G>C.
Identifiers: ClinVar variation 2645185 (VCV002645185.25), dbSNP rs1596069455, ClinGen allele CA968983266.

ClinVar aggregate classification (germline): Likely benign (1 of 4 stars; one submission).

Allele frequency attached by ClinVar (database versions not stated): gnomAD 0.00001.
gnomAD v4.1: 3 of 1,550,958 alleles (0.00019%); highest among the groups gnomAD compares: Admixed American, 0.002%; no homozygotes.

Submissions (2):

CeGaT Center for Human Genetics Tuebingen
Classification: Likely benign. Last evaluated: 2022-07-01. Review status: criteria provided, single submitter. Criteria: CeGaT Center For Human Genetics Tuebingen Variant Classification Criteria Version 2. Collection method: clinical testing. Allele origin: germline. Affected: yes. Observed: 1 variant allele.
Comment: DNAJC17: BP4

Dr. Peter K. Rogan Lab, Western University
No classification provided (evidence only). Condition: Acute myeloid leukemia. Review status: no classification provided. Collection method: in vitro. Allele origin: not applicable. Functional consequence: retained intron. Not counted in ClinVar's aggregate classification.